The following is an entry in ClinVar:

NM_000285.4(PEPD):c.17+1G>C

Gene: PEPD (peptidase D; minus strand). Cytogenetic location: 19q13.11.
Variant type: single nucleotide variant.
Coding change: c.17+1G>C on transcript NM_000285.4 (MANE Select); the canonical splice donor site of the intron after coding-DNA position 17, G replaced by C.
Molecular consequence: splice donor variant.
Genome position (GRCh38, 1-based): chr19:33,521,743, C>G on the plus strand (G>C on the coding strand, the complement: PEPD is on the minus strand). VCF-style: chr19-33521743-C-G. GRCh37 (hg19) VCF-style: chr19-34012649-C-G.
Other names: c.17+1G>C (NM_001166057.2, NM_001166056.2).
Identifiers: ClinVar variation 4763671 (VCV004763671.1).
Genomic context (GRCh38, chr19:33,521,743, plus strand): 5'-CCGGGACACCCATGCCCCTCTCCACGCCAGCGGGAAAGAGCGAGGGAGGCGCAGCACTCA[C>G]CCGGTGGCCGCCGCCATGTTCGCCCGGCACCGGCGTCACGTGAAGTGCGGCGTCAGCTGA-3'

ClinVar aggregate classification (germline): Likely pathogenic (1 of 4 stars; one submission).

gnomAD v4.1: 5 of 1,578,540 alleles (0.00032%); highest among the groups gnomAD compares: African/African-American, 0.0027%; no homozygotes.

Submission:

Labcorp Genetics (formerly Invitae), Labcorp
Classification: Likely pathogenic. Last evaluated: 2026-01-19. Review status: criteria provided, single submitter. Criteria: Invitae Variant Classification Sherloc (09022015). Collection method: clinical testing. Allele origin: germline.
Comment: This sequence change affects a donor splice site in intron 1 of the PEPD gene. It is expected to disrupt RNA splicing. Variants that disrupt the donor or acceptor splice site typically lead to a loss of protein function (PMID: 16199547), and loss-of-function variants in PEPD are known to be pathogenic (PMID: 8198124, 10721675, 12384772, 17142620). This variant is not present in population databases (gnomAD no frequency). This variant has not been reported in the literature in individuals affected with PEPD-related conditions. Algorithms developed to predict the effect of sequence changes on RNA splicing suggest that this variant may disrupt the consensus splice site. In summary, the currently available evidence indicates that the variant is pathogenic, but additional data are needed to prove that conclusively. Therefore, this variant has been classified as Likely Pathogenic.

Literature cited by the submitters: PubMed 16199547; PubMed 8198124; PubMed 10721675; PubMed 12384772; PubMed 17142620.